The following is an entry in ClinVar:

NM_002519.3(NPAT):c.2465C>G (p.Ser822Cys)

Gene: NPAT (nuclear protein, coactivator of histone transcription; minus strand). Cytogenetic location: 11q22.3.
Variant type: single nucleotide variant.
Coding change: c.2465C>G on transcript NM_002519.3 (MANE Select); coding-DNA position 2465, C replaced by G.
Protein change: p.Ser822Cys; replaces serine 822 with cysteine.
Molecular consequence: missense variant.
Genome position (GRCh38, 1-based): chr11:108,172,519, G>C on the plus strand (C>G on the coding strand, the complement: NPAT is on the minus strand). VCF-style: chr11-108172519-G-C. GRCh37 (hg19) VCF-style: chr11-108043246-G-C.
Other names: c.2465C>G, p.Ser822Cys (NM_001321307.1); short protein forms S822C.
Identifiers: ClinVar variation 3222533 (VCV003222533.1), dbSNP rs2496717118, ClinGen allele CA382512920.

ClinVar aggregate classification (germline): Uncertain significance (1 of 4 stars; one submission).

Allele frequency attached by ClinVar (database versions not stated): gnomAD exomes below 0.00001.
gnomAD v4.1: 1 of 1,614,176 alleles (0.000062%); highest among the groups gnomAD compares: Non-Finnish European, 0.000085%; no homozygotes.

Submission:

Ambry Genetics
Classification: Uncertain significance. Last evaluated: 2023-11-23. Review status: criteria provided, single submitter. Criteria: Ambry Variant Classification Scheme 2023. Collection method: clinical testing. Allele origin: germline.
Comment: The p.S822C variant (also known as c.2465C>G), located in coding exon 13 of the NPAT gene, results from a C to G substitution at nucleotide position 2465. The serine at codon 822 is replaced by cysteine, an amino acid with dissimilar properties. This amino acid position is conserved. In addition, this alteration is predicted to be tolerated by in silico analysis. Since supporting evidence is limited at this time, the clinical significance of this alteration remains unclear.